The following is an entry in ClinVar:

ClinVar aggregate classification (germline): Uncertain significance. Review status: criteria provided, multiple submitters, no conflicts (2 of 4 stars). 2 submissions from 2 submitters: Uncertain significance (2). Last evaluated 2025-08-08.

Allele frequency attached by ClinVar (database versions not stated): ExAC 0.00002; TOPMed 0.00007; ESP Exome Variant Server 0.00008; gnomAD 0.00009.
gnomAD v4.1: 23 of 1,613,926 alleles (0.0014%); highest among the groups gnomAD compares: African/African-American, 0.029%; no homozygotes.

Submissions (2):

Ambry Genetics
Classification: Uncertain significance. Last evaluated: 2025-08-08. Review status: criteria provided, single submitter. Criteria: Ambry Variant Classification Scheme 2023. Collection method: clinical testing. Allele origin: germline.

Labcorp Genetics (formerly Invitae), Labcorp
Classification: Uncertain significance. Last evaluated: 2023-03-28. Review status: criteria provided, single submitter. Criteria: Invitae Variant Classification Sherloc (09022015). Collection method: clinical testing. Allele origin: germline.
Comment: This variant is present in population databases (rs376163837, gnomAD 0.03%). In summary, the available evidence is currently insufficient to determine the role of this variant in disease. Therefore, it has been classified as a Variant of Uncertain Significance. An algorithm developed to predict the effect of missense changes on protein structure and function (PolyPhen-2) suggests that this variant is likely to be disruptive. ClinVar contains an entry for this variant (Variation ID: 2395575). This variant has not been reported in the literature in individuals affected with FAT2-related conditions. This sequence change replaces leucine, which is neutral and non-polar, with valine, which is neutral and non-polar, at codon 915 of the FAT2 protein (p.Leu915Val).

NM_001447.3(FAT2):c.2743T>G (p.Leu915Val)

Gene: FAT2 (FAT atypical cadherin 2; minus strand). Cytogenetic location: 5q33.1.
Variant type: single nucleotide variant.
Coding change: c.2743T>G on transcript NM_001447.3 (MANE Select); coding-DNA position 2743, T replaced by G.
Protein change: p.Leu915Val; replaces leucine 915 with valine.
Molecular consequence: missense variant.
Genome position (GRCh38, 1-based): chr5:151,566,189, A>C on the plus strand (T>G on the coding strand, the complement: FAT2 is on the minus strand). VCF-style: chr5-151566189-A-C. GRCh37 (hg19) VCF-style: chr5-150945750-A-C.
Other names: short protein forms L915V.
Identifiers: ClinVar variation 2395575 (VCV002395575.6), dbSNP rs376163837, ClinGen allele CA3522013.